The following is an entry in ClinVar:

ClinVar aggregate classification (germline): Uncertain significance (1 of 4 stars; one submission).

Allele frequency attached by ClinVar (database versions not stated): ExAC 0.00004; TOPMed 0.00005; gnomAD 0.00007 and 0.00008; gnomAD exomes 0.00007 and 0.00009.
gnomAD v4.1: 107 of 1,614,128 alleles (0.0066%); highest among the groups gnomAD compares: Non-Finnish European, 0.0064%; no homozygotes.

Submission:

Labcorp Genetics (formerly Invitae), Labcorp
Classification: Uncertain significance. Last evaluated: 2022-02-08. Review status: criteria provided, single submitter. Criteria: Invitae Variant Classification Sherloc (09022015). Collection method: clinical testing. Allele origin: germline.
Comment: This sequence change replaces alanine, which is neutral and non-polar, with threonine, which is neutral and polar, at codon 571 of the MMP2 protein (p.Ala571Thr). This variant is present in population databases (rs752981351, gnomAD 0.1%). This variant has not been reported in the literature in individuals affected with MMP2-related conditions. ClinVar contains an entry for this variant (Variation ID: 1021449). Algorithms developed to predict the effect of missense changes on protein structure and function are either unavailable or do not agree on the potential impact of this missense change (SIFT: "Tolerated"; PolyPhen-2: "Probably Damaging"; Align-GVGD: "Class C0"). In summary, the available evidence is currently insufficient to determine the role of this variant in disease. Therefore, it has been classified as a Variant of Uncertain Significance.

NM_004530.6(MMP2):c.1711G>A (p.Ala571Thr)

Gene: MMP2 (matrix metallopeptidase 2; plus strand). Cytogenetic location: 16q12.2.
Variant type: single nucleotide variant.
Coding change: c.1711G>A on transcript NM_004530.6 (MANE Select); coding-DNA position 1711, G replaced by A.
Protein change: p.Ala571Thr; replaces alanine 571 with threonine.
Molecular consequence: missense variant.
Genome position (GRCh38, 1-based): chr16:55,498,390, G>A. VCF-style: chr16-55498390-G-A. GRCh37 (hg19) VCF-style: chr16-55532302-G-A.
Other names: c.1561G>A, p.Ala521Thr (NM_001127891.3); c.1483G>A, p.Ala495Thr (NM_001302508.1, NM_001302509.2, NM_001302510.2); short protein forms A495T, A521T, A571T.
Identifiers: ClinVar variation 1021449 (VCV001021449.6), dbSNP rs752981351, ClinGen allele CA8060538.